The following is an entry in ClinVar:

NM_001429.4(EP300):c.1760T>C (p.Leu587Pro)

Gene: EP300 (E1A binding protein p300; plus strand). Cytogenetic location: 22q13.2.
Variant type: single nucleotide variant.
Coding change: c.1760T>C on transcript NM_001429.4 (MANE Select); coding-DNA position 1760, T replaced by C.
Protein change: p.Leu587Pro; replaces leucine 587 with proline.
Molecular consequence: missense variant.
Genome position (GRCh38, 1-based): chr22:41,137,790, T>C. VCF-style: chr22-41137790-T-C. GRCh37 (hg19) VCF-style: chr22-41533794-T-C.
Other names: c.1760T>C, p.Leu587Pro (NM_001362843.2); short protein forms L587P.
Identifiers: ClinVar variation 3383628 (VCV003383628.1).

ClinVar aggregate classification (germline): Uncertain significance (1 of 4 stars; one submission).

Submission:

GeneDx
Classification: Uncertain significance. Last evaluated: 2024-05-28. Review status: criteria provided, single submitter. Criteria: GeneDx Variant Classification Process June 2021. Collection method: clinical testing. Allele origin: germline. Affected: yes.
Comment: Not observed at significant frequency in large population cohorts (gnomAD); In silico analysis supports that this missense variant has a deleterious effect on protein structure/function; Has not been previously published as pathogenic or benign to our knowledge